The following is an entry in ClinVar:

ClinVar aggregate classification (germline): Benign (1 of 4 stars; one submission).

Allele frequency attached by ClinVar (database versions not stated): gnomAD 0.36795 and 0.37109; TOPMed 0.38171; 1000 Genomes Project 0.38998; 1000 Genomes Project 30x 0.39428.
gnomAD v4.1: 55,818 of 151,980 alleles (37%); highest among the groups gnomAD compares: African/African-American, 51%; 10,961 homozygotes.

Submission:

GeneDx
Classification: Benign. Last evaluated: 2018-06-19. Review status: criteria provided, single submitter. Criteria: GeneDx Variant Classification (06012015). Collection method: clinical testing. Allele origin: germline. Affected: yes.
Comment: This variant is considered likely benign or benign based on one or more of the following criteria: it is a conservative change, it occurs at a poorly conserved position in the protein, it is predicted to be benign by multiple in silico algorithms, and/or has population frequency not consistent with disease.

NM_030962.4(SBF2):c.2537-209A>C

Genes: SBF2 (SET binding factor 2; minus strand), LOC101928008 (uncharacterized LOC101928008; plus strand). Cytogenetic location: 11p15.4.
Variant type: single nucleotide variant.
Coding change: c.2537-209A>C on transcript NM_030962.4 (MANE Select); 209 bases into the intron before coding-DNA position 2537, A replaced by C.
Molecular consequence: intron variant.
Genome position (GRCh38, 1-based): chr11:9,852,958, T>G on the plus strand (A>C on the coding strand, the complement: SBF2 is on the minus strand). VCF-style: chr11-9852958-T-G. GRCh37 (hg19) VCF-style: chr11-9874505-T-G.
Other names: c.2408-209A>C (NM_001386342.1); c.2537-209A>C (NM_001386339.1).
Identifiers: ClinVar variation 672626 (VCV000672626.1), dbSNP rs7122293, ClinGen allele CA217620579.